The following is an entry in ClinVar:

NM_152564.5(VPS13B):c.9161G>T (p.Gly3054Val)

Gene: VPS13B (vacuolar protein sorting 13 homolog B; plus strand). Cytogenetic location: 8q22.2.
Variant type: single nucleotide variant.
Coding change: c.9161G>T on transcript NM_152564.5 (MANE Select); coding-DNA position 9161, G replaced by T.
Protein change: p.Gly3054Val; replaces glycine 3054 with valine.
Molecular consequence: missense variant.
Genome position (GRCh38, 1-based): chr8:99,821,460, G>T. VCF-style: chr8-99821460-G-T. GRCh37 (hg19) VCF-style: chr8-100833688-G-T.
Other names: c.9236G>T, p.Gly3079Val (NM_017890.5); short protein forms G3054V, G3079V.
Identifiers: ClinVar variation 2628668 (VCV002628668.1), dbSNP rs1399549081, ClinGen allele CA371779340.
Genomic context (GRCh38, chr8:99,821,460, plus strand): 5'-GTAATGGTGAAGTTGTGACACTGGATGAAGAAGCGTTTGTTGATACTGAAATAAGACTTG[G>T]TGCTTTTCCAGGACATCAGAAGGTAAGATCAAAGTCTATGTGGCTGGGAGGAAATAGCAT-3'
Protein context (NP_689777.3, residues 3044-3064): EAFVDTEIRL[Gly3054Val]AFPGHQKLCQ

ClinVar aggregate classification (germline): Uncertain significance (1 of 4 stars; one submission).

Conditions:
VPS13B-related disorder. Also called: VPS13B-related condition.

Allele frequency attached by ClinVar (database versions not stated): gnomAD exomes 0.00002.
gnomAD v4.1: 11 of 1,613,764 alleles (0.00068%); highest among the groups gnomAD compares: Non-Finnish European, 0.00093%; no homozygotes.

Submission:

PreventionGenetics, part of Exact Sciences
Classification: Uncertain significance for VPS13B-related condition. Last evaluated: 2023-06-22. Review status: criteria provided, single submitter. Criteria: ACMG Guidelines, 2015. Collection method: clinical testing. Allele origin: germline.
Comment: The VPS13B c.9161G>T variant is predicted to result in the amino acid substitution p.Gly3054Val. To our knowledge, this variant has not been reported in the literature. This variant is reported in 0.00088% of alleles in individuals of European (Non-Finnish) descent in gnomAD. At this time, the clinical significance of this variant is uncertain due to the absence of conclusive functional and genetic evidence.